The following is an entry in ClinVar:

NM_020779.4(WDR35):c.2622A>T (p.Pro874=)

Gene: WDR35 (WD repeat domain 35; minus strand). Cytogenetic location: 2p24.1.
Variant type: single nucleotide variant.
Coding change: c.2622A>T on transcript NM_020779.4 (MANE Select); coding-DNA position 2622, A replaced by T.
Protein change: p.Pro874=; no amino-acid change (proline 874 retained).
Molecular consequence: synonymous variant.
Genome position (GRCh38, 1-based): chr2:19,933,437, T>A on the plus strand (A>T on the coding strand, the complement: WDR35 is on the minus strand). VCF-style: chr2-19933437-T-A. GRCh37 (hg19) VCF-style: chr2-20133198-T-A.
Other names: c.2655A>T, p.Pro885= (NM_001006657.2); c.2655A>T (NM_001006657.1).
Identifiers: ClinVar variation 2952149 (VCV002952149.4), dbSNP rs766138190, ClinGen allele CA1542896.

ClinVar aggregate classification (germline): Benign/Likely benign. Review status: criteria provided, multiple submitters, no conflicts (2 of 4 stars). 2 submissions from 2 submitters: Benign (1); Likely benign (1). Last evaluated 2026-02-22.

Conditions:
WDR35-related disorder. Also called: WDR35-related condition; WDR35-related disorders. Identifiers: MedGen CN239419.
Cranioectodermal dysplasia 2 (CED2). Identifiers: Orphanet 1515, MedGen C3150874, MONDO:0013323, OMIM 613610.
Short-rib thoracic dysplasia 7 with or without polydactyly (SRTD7). Also called: Short rib polydactyly syndrome 5; SHORT-RIB THORACIC DYSPLASIA 7 WITH POLYDACTYLY. Identifiers: Orphanet 498497, Orphanet 93271, MedGen C3279792, MONDO:0013569, OMIM 614091.

gnomAD v4.1: 153 of 1,614,064 alleles (0.0095%); highest among the groups gnomAD compares: South Asian, 0.13%; 2 homozygotes.

Submissions (2):

PreventionGenetics, part of Exact Sciences
Classification: Likely benign for WDR35-related condition. Last evaluated: 2026-02-22. Review status: criteria provided, single submitter. Criteria: ACMG Guidelines, 2015. Collection method: clinical testing. Allele origin: germline.
Comment: This variant is classified as likely benign based on ACMG/AMP sequence variant interpretation guidelines (Richards et al. 2015 PMID: 25741868, with internal and published modifications).

Labcorp Genetics (formerly Invitae), Labcorp
Classification: Benign for Cranioectodermal dysplasia 2; Short-rib thoracic dysplasia 7 with or without polydactyly. Last evaluated: 2025-12-10. Review status: criteria provided, single submitter. Criteria: Invitae Variant Classification Sherloc (09022015). Collection method: clinical testing. Allele origin: germline.